The following is an entry in ClinVar:

ClinVar aggregate classification (germline): Likely benign (1 of 4 stars; one submission).

Allele frequency attached by ClinVar (database versions not stated): gnomAD exomes 0.00001 and 0.00002; ExAC 0.00003; ESP Exome Variant Server 0.00008; gnomAD 0.00009 and 0.00010; TOPMed 0.00010.
gnomAD v4.1: 26 of 1,613,526 alleles (0.0016%); highest among the groups gnomAD compares: African/African-American, 0.024%; no homozygotes.

Submission:

GeneDx
Classification: Likely benign. Last evaluated: 2016-12-13. Review status: criteria provided, single submitter. Criteria: GeneDx Variant Classification (06012015). Collection method: clinical testing. Allele origin: germline. Affected: yes.
Comment: This variant is considered likely benign or benign based on one or more of the following criteria: it is a conservative change, it occurs at a poorly conserved position in the protein, it is predicted to be benign by multiple in silico algorithms, and/or has population frequency not consistent with disease.

NM_001195248.2(APTX):c.-55C>T

Gene: APTX (aprataxin; minus strand). Cytogenetic location: 9p21.1.
Variant type: single nucleotide variant.
Coding change: c.-55C>T on transcript NM_001195248.2 (MANE Select); 55 bases upstream of the start codon, C replaced by T.
Molecular consequence: 5 prime UTR variant. On other transcripts: non-coding transcript variant (5), intron variant (8).
Genome position (GRCh38, 1-based): chr9:33,001,617, G>A on the plus strand (C>T on the coding strand, the complement: APTX is on the minus strand). VCF-style: chr9-33001617-G-A. GRCh37 (hg19) VCF-style: chr9-33001615-G-A.
Other names: c.-289C>T (NM_001195249.2); c.-55C>T (NM_001195250.2, NM_001195252.2, NM_175069.3); c.-161C>T (NM_001195251.2, NM_175073.3); c.-106C>T (NM_001195254.2, NM_001368998.1); c.-272C>T (NM_001369004.1); c.-420C>T (NM_001369005.1); c.-314C>T (NM_001369006.1, NM_001370669.1); c.-365C>T (NM_001370670.1); and 3 more.
Identifiers: ClinVar variation 391426 (VCV000391426.1), dbSNP rs370114338, ClinGen allele CA5022782.